The following is an entry in ClinVar:

NM_170707.4(LMNA):c.1041G>C (p.Glu347Asp)

Gene: LMNA (lamin A/C; plus strand). Cytogenetic location: 1q22.
Variant type: single nucleotide variant.
Coding change: c.1041G>C on transcript NM_170707.4 (MANE Select); coding-DNA position 1041, G replaced by C.
Protein change: p.Glu347Asp; replaces glutamic acid 347 with aspartic acid.
Molecular consequence: missense variant.
Genome position (GRCh38, 1-based): chr1:156,136,005, G>C. VCF-style: chr1-156136005-G-C. GRCh37 (hg19) VCF-style: chr1-156105796-G-C.
Other names: c.1041G>C, p.Glu347Asp (NM_001282625.2, NM_001282626.2, NM_001406983.1 and 6 more transcripts); c.798G>C, p.Glu266Asp (NM_001406986.1, NM_001406987.1, NM_001282624.2); c.744G>C, p.Glu248Asp (NM_001406988.1); c.705G>C, p.Glu235Asp (NM_001406989.1, NM_001257374.3, NM_001406998.1); c.417G>C, p.Glu139Asp (NM_001407000.1, NM_001407001.1, NM_001406994.1 and 1 more transcripts); c.483G>C, p.Glu161Asp (NM_001407002.1, NM_001407003.1, NM_001406990.1 and 4 more transcripts); short protein forms E139D, E161D, E235D, E248D, E266D, E347D.
Identifiers: ClinVar variation 2433466 (VCV002433466.4), dbSNP rs2527991411, ClinGen allele CA342820253.
Genomic context (GRCh38, chr1:156,136,005, plus strand): 5'-GGCCCGTGAGCGGGACACCAGCCGGCGGCTGCTGGCGGAAAAGGAGCGGGAGATGGCCGA[G>C]ATGCGGGCAAGGATGCAGCAGCAGCTGGACGAGTACCAGGAGCTTCTGGACATCAAGCTG-3'
Protein context (NP_733821.1, residues 337-357): LLAEKEREMA[Glu347Asp]MRARMQQQLD

ClinVar aggregate classification (germline): Uncertain significance. Review status: criteria provided, multiple submitters, no conflicts (2 of 4 stars). 2 submissions from 2 submitters: Uncertain significance (2). Last evaluated 2025-11-24.

Conditions:
Cardiovascular phenotype. Identifiers: MedGen CN230736.

Allele frequency attached by ClinVar (database versions not stated): gnomAD exomes below 0.00001.
gnomAD v4.1: 5 of 1,614,192 alleles (0.00031%); highest among the groups gnomAD compares: Non-Finnish European, 0.00042%; no homozygotes.

Submissions (2):

Ambry Genetics
Classification: Uncertain significance for Cardiovascular phenotype. Last evaluated: 2025-11-24. Review status: criteria provided, single submitter. Criteria: Ambry Variant Classification Scheme 2023. Collection method: clinical testing. Allele origin: germline.
Comment: The p.E347D variant (also known as c.1041G>C), located in coding exon 6 of the LMNA gene, results from a G to C substitution at nucleotide position 1041. The glutamic acid at codon 347 is replaced by aspartic acid, an amino acid with highly similar properties. This amino acid position is well conserved in available vertebrate species. In addition, this alteration is predicted to be tolerated by in silico analysis. Based on the available evidence, the clinical significance of this variant remains unclear.

Revvity Omics, Revvity
Classification: Uncertain significance. Last evaluated: 2019-11-20. Review status: criteria provided, single submitter. Criteria: ACMG Guidelines, 2015. Collection method: clinical testing. Allele origin: germline.